The following is an entry in ClinVar:

ClinVar aggregate classification (germline): Uncertain significance (1 of 4 stars; one submission).

Allele frequency attached by ClinVar (database versions not stated): ExAC 0.00001; gnomAD 0.00001; ESP Exome Variant Server 0.00008.

Submission:

Labcorp Genetics (formerly Invitae), Labcorp
Classification: Uncertain significance. Last evaluated: 2024-05-02. Review status: criteria provided, single submitter. Criteria: Invitae Variant Classification Sherloc (09022015). Collection method: clinical testing. Allele origin: germline.
Comment: This sequence change replaces asparagine, which is neutral and polar, with serine, which is neutral and polar, at codon 352 of the GNA11 protein (p.Asn352Ser). This variant is present in population databases (rs376124717, gnomAD 0.007%). This variant has not been reported in the literature in individuals affected with GNA11-related conditions. Advanced modeling of protein sequence and biophysical properties (such as structural, functional, and spatial information, amino acid conservation, physicochemical variation, residue mobility, and thermodynamic stability) performed at Invitae indicates that this missense variant is not expected to disrupt GNA11 protein function with a negative predictive value of 80%. In summary, the available evidence is currently insufficient to determine the role of this variant in disease. Therefore, it has been classified as a Variant of Uncertain Significance.

NM_002067.5(GNA11):c.1055A>G (p.Asn352Ser)

Gene: GNA11 (G protein subunit alpha 11; plus strand). Cytogenetic location: 19p13.3.
Variant type: single nucleotide variant.
Coding change: c.1055A>G on transcript NM_002067.5 (MANE Select); coding-DNA position 1055, A replaced by G.
Protein change: p.Asn352Ser; replaces asparagine 352 with serine.
Molecular consequence: missense variant.
Genome position (GRCh38, 1-based): chr19:3,121,154, A>G. VCF-style: chr19-3121154-A-G. GRCh37 (hg19) VCF-style: chr19-3121152-A-G.
Other names: short protein forms N352S.
Identifiers: ClinVar variation 2899696 (VCV002899696.3), dbSNP rs376124717, ClinGen allele CA9075129.
Genomic context (GRCh38, chr19:3,121,154, plus strand): 5'-CCGACACGGAGAACATCCGCTTCGTGTTCGCGGCCGTGAAGGACACCATCCTGCAGCTCA[A>G]CCTCAAGGAGTACAACCTGGTCTGAGCGCCCAGGCCCAGGGAGACGGGATGGAGACACGG-3'
Protein context (NP_002058.2, residues 342-359): AAVKDTILQL[Asn352Ser]LKEYNLV